The following is an entry in ClinVar:

NM_000264.5(PTCH1):c.149T>A (p.Leu50Gln)

Genes: PTCH1 (patched 1; minus strand), LOC130002133 (ATAC-STARR-seq lymphoblastoid silent region 20071; plus strand). Cytogenetic location: 9q22.32.
Variant type: single nucleotide variant.
Coding change: c.149T>A on transcript NM_000264.5 (MANE Select); coding-DNA position 149, T replaced by A.
Protein change: p.Leu50Gln; replaces leucine 50 with glutamine.
Molecular consequence: missense variant. On other transcripts: non-coding transcript variant (1), intron variant (3).
Genome position (GRCh38, 1-based): chr9:95,508,213, A>T on the plus strand (T>A on the coding strand, the complement: PTCH1 is on the minus strand). VCF-style: chr9-95508213-A-T. GRCh37 (hg19) VCF-style: chr9-98270495-A-T.
Other names: c.149T>A, p.Leu50Gln (NM_001354918.2); c.199-1614T>A (NM_001083603.3); c.4-1614T>A (NM_001083602.3, NM_001354919.2); short protein forms L50Q.
Identifiers: ClinVar variation 1773962 (VCV001773962.3), dbSNP rs1019888019, ClinGen allele CA374121349.

ClinVar aggregate classification (germline): Uncertain significance (1 of 4 stars; one submission).

Conditions:
Hereditary cancer-predisposing syndrome. Also called: Hereditary Cancer Syndrome; Hereditary neoplastic syndrome; Neoplastic Syndromes, Hereditary; Tumor predisposition. Identifiers: Orphanet 140162, MedGen C0027672, MeSH D009386, MONDO:0015356.

Submission:

Ambry Genetics
Classification: Uncertain significance for Hereditary cancer-predisposing syndrome. Last evaluated: 2024-09-02. Review status: criteria provided, single submitter. Criteria: Ambry Variant Classification Scheme 2023. Collection method: clinical testing. Allele origin: germline.
Comment: The p.L50Q variant (also known as c.149T>A), located in coding exon 1 of the PTCH1 gene, results from a T to A substitution at nucleotide position 149. The leucine at codon 50 is replaced by glutamine, an amino acid with dissimilar properties. This amino acid position is conserved. In addition, the in silico prediction for this alteration is inconclusive. Since supporting evidence is limited at this time, the clinical significance of this alteration remains unclear.